The following is an entry in ClinVar:

NM_002098.6(GUCA1B):c.146_147del (p.Thr49fs)

Gene: GUCA1B (guanylate cyclase activator 1B; minus strand). Cytogenetic location: 6p21.1.
Variant type: Microsatellite.
Coding change: c.146_147del on transcript NM_002098.6 (MANE Select); coding-DNA positions 146 to 147, 2 bases deleted (CA; older notation c.146_147delCA).
Protein change: p.Thr49fs; shifts the reading frame from threonine 49.
Molecular consequence: frameshift variant.
Genome position (GRCh38, 1-based): chr6:42,194,674-42,194,675, TG deleted on the plus strand (CA on the coding strand, the reverse complement: GUCA1B is on the minus strand); deleting any 2 consecutive bases within chr6:42,194,674-42,194,677 gives the same sequence; the c. name uses the placement nearest the transcript's 3' end. VCF-style (leftmost placement, unchanged base first): chr6-42194673-CTG-C. GRCh37 (hg19) VCF-style: chr6-42162411-CTG-C.
Other names: short protein forms T49fs.
Identifiers: ClinVar variation 1684787 (VCV001684787.6), dbSNP rs1175310819, ClinGen allele CA824809022.

ClinVar aggregate classification (germline): Uncertain significance. Review status: criteria provided, multiple submitters, no conflicts (2 of 4 stars). 2 submissions from 2 submitters: Uncertain significance (2). Last evaluated 2022-08-13.

Submissions (2):

Labcorp Genetics (formerly Invitae), Labcorp
Classification: Uncertain significance. Last evaluated: 2022-08-13. Review status: criteria provided, single submitter. Criteria: Invitae Variant Classification Sherloc (09022015). Collection method: clinical testing. Allele origin: germline.
Comment: In summary, the available evidence is currently insufficient to determine the role of this variant in disease. Therefore, it has been classified as a Variant of Uncertain Significance. Algorithms developed to predict the effect of sequence changes on RNA splicing suggest that this variant may create or strengthen a splice site. This variant has not been reported in the literature in individuals affected with GUCA1B-related conditions. This variant is not present in population databases (gnomAD no frequency). This sequence change creates a premature translational stop signal (p.Thr49Argfs*3) in the GUCA1B gene. It is expected to result in an absent or disrupted protein product. However, the current clinical and genetic evidence is not sufficient to establish whether loss-of-function variants in GUCA1B cause disease.

Mendelics
Classification: Uncertain significance. Last evaluated: 2022-05-04. Review status: criteria provided, single submitter. Criteria: Mendelics Assertion Criteria 2019. Collection method: clinical testing. Allele origin: germline.